The following is an entry in ClinVar:

ClinVar aggregate classification (germline): Uncertain significance (1 of 4 stars; one submission).

Conditions:
Glycogen storage disease, type II (IOPD). Also called: Pompe Disease; CARDIOMEGALIA GLYCOGENICA DIFFUSA; GLYCOGENOSIS, GENERALIZED, CARDIAC FORM; GSD II; POMPE DISEASE, INFANTILE-ONSET; GLYCOGEN STORAGE DISEASE II, INFANTILE-ONSET. Identifiers: Orphanet 365, MedGen C0017921, MONDO:0009290, OMIM 232300.

Submission:

Genomenon, Inc
Classification: Uncertain significance for Glycogen storage disease, type II. Last evaluated: 2026-07-01. Review status: criteria provided, single submitter. Criteria: Genomenon Sequence Variant Interpretation Standards - Updated. Collection method: curation. Allele origin: germline. Affected: yes.
Comment: GAA c.692+3G>C is an intronic variant located in the donor splice region of intron 3. This variant has been observed in at least one proband with a GAA-related disorder in the compound heterozygous and/or homozygous state (PMID:33202836). It is absent or not present at a significant frequency in gnomAD. In conclusion, we classify GAA c.692+3G>C as a variant of uncertain significance.

Literature cited by the submitters: PubMed 33202836.

NM_000152.5(GAA):c.692+3G>C

Gene: GAA (alpha glucosidase; plus strand). Cytogenetic location: 17q25.3.
Variant type: single nucleotide variant.
Coding change: c.692+3G>C on transcript NM_000152.5 (MANE Select); 3 bases into the intron after coding-DNA position 692, G replaced by C.
Molecular consequence: intron variant.
Genome position (GRCh38, 1-based): chr17:80,105,897, G>C. VCF-style: chr17-80105897-G-C. GRCh37 (hg19) VCF-style: chr17-78079696-G-C.
Other names: c.692+3G>C (NM_001406741.1, NM_001406742.1, NM_001079803.3 and 1 more transcripts).
Identifiers: ClinVar variation 4876408 (VCV004876408.1).